The following is an entry in ClinVar:

NM_133379.5(TTN):c.11924T>C (p.Val3975Ala)

Gene: TTN (titin; minus strand). Cytogenetic location: 2q31.2.
Variant type: single nucleotide variant.
Coding change: c.11924T>C on transcript NM_133379.5; coding-DNA position 11924, T replaced by C.
Protein change: p.Val3975Ala; replaces valine 3975 with alanine.
Molecular consequence: missense variant. On other transcripts: intron variant (6).
Genome position (GRCh38, 1-based): chr2:178,750,476, A>G on the plus strand (T>C on the coding strand, the complement: TTN is on the minus strand). VCF-style: chr2-178750476-A-G. GRCh37 (hg19) VCF-style: chr2-179615203-A-G.
Other names: c.10222+2648T>C (NM_003319.4); c.10798+2648T>C (NM_133437.4); c.10597+2648T>C (NM_133432.3); c.10360+2648T>C (NM_133378.4, NM_001256850.1); c.11311+2648T>C (NM_001267550.2); c.11924T>C (NM_133379.4); short protein forms V3975A.
Identifiers: ClinVar variation 1180020 (VCV001180020.6), dbSNP rs527992710, ClinGen allele CA2003653.
Genomic context (GRCh38, chr2:178,750,476, plus strand): 5'-AACGAATGAATGATAAAGTTTTGATTACGTGGGATTGGCATGTCATTGTTATACCACGTC[A>G]CTATAGGTTGAGGATATCCTTGAAAATGACACACAAAATTACAACTGTCACCTTCATAAA-3'

ClinVar aggregate classification (germline): Likely benign. Review status: criteria provided, multiple submitters, no conflicts (2 of 4 stars). 3 submissions from 3 submitters: Likely benign (3). Last evaluated 2025-08-11.

Conditions:
TTN-related disorder. Also called: TTN-related disorders; TTN-related condition; TTN-related disease.

Allele frequency attached by ClinVar (database versions not stated): TOPMed 0.00002; gnomAD 0.00007; 1000 Genomes Project 0.00020; gnomAD exomes 0.00022 and 0.00035; ExAC 0.00038; 1000 Genomes Project 30x 0.00047.
gnomAD v4.1: 328 of 1,613,036 alleles (0.02%); highest among the groups gnomAD compares: South Asian, 0.35%; 3 homozygotes.

Submissions (3):

PreventionGenetics, part of Exact Sciences
Classification: Likely benign for TTN-related condition. Last evaluated: 2025-08-11. Review status: criteria provided, single submitter. Criteria: ACMG Guidelines, 2015. Collection method: clinical testing. Allele origin: germline.
Comment: This variant is classified as likely benign based on ACMG/AMP sequence variant interpretation guidelines (Richards et al. 2015 PMID: 25741868, with internal and published modifications).

Blueprint Genetics
Classification: Likely benign. Last evaluated: 2024-02-15. Review status: criteria provided, single submitter. Criteria: ACMG Guidelines, 2015. Collection method: clinical testing. Allele origin: germline.

GeneDx
Classification: Likely benign. Last evaluated: 2021-09-20. Review status: criteria provided, single submitter. Criteria: GeneDx Variant Classification Process June 2021. Collection method: clinical testing. Allele origin: germline. Affected: yes.